The following is an entry in ClinVar:

NM_014008.5(CCDC22):c.1822G>A (p.Glu608Lys)

Gene: CCDC22 (CCC complex scaffolding subunit CCDC22; plus strand). Cytogenetic location: Xp11.23.
Variant type: single nucleotide variant.
Coding change: c.1822G>A on transcript NM_014008.5 (MANE Select); coding-DNA position 1822, G replaced by A.
Protein change: p.Glu608Lys; replaces glutamic acid 608 with lysine.
Molecular consequence: missense variant.
Genome position (GRCh38, 1-based): chrX:49,250,199, G>A. VCF-style: chrX-49250199-G-A. GRCh37 (hg19) VCF-style: chrX-49106660-G-A.
Other names: short protein forms E608K.
Identifiers: ClinVar variation 2503294 (VCV002503294.2), dbSNP rs2519183001, ClinGen allele CA412946502.

ClinVar aggregate classification (germline): Uncertain significance (1 of 4 stars; one submission).

Allele frequency attached by ClinVar (database versions not stated): gnomAD exomes below 0.00001.
gnomAD v4.1: 6 of 1,166,793 alleles (0.00051%); highest among the groups gnomAD compares: Non-Finnish European, 0.00057%; no homozygotes.

Submission:

GeneDx
Classification: Uncertain significance. Last evaluated: 2025-07-26. Review status: criteria provided, single submitter. Criteria: GeneDx Variant Classification Process June 2021. Collection method: clinical testing. Allele origin: germline.
Comment: Not observed at significant frequency in large population cohorts (gnomAD); In silico analysis suggests that this missense variant does not alter protein structure/function; Has not been previously published as pathogenic or benign to our knowledge